The following is an entry in ClinVar:

ClinVar aggregate classification (germline): Uncertain significance (1 of 4 stars; one submission).

Submission:

GeneDx
Classification: Uncertain significance. Last evaluated: 2019-09-19. Review status: criteria provided, single submitter. Criteria: GeneDx Variant Classification Process June 2021. Collection method: clinical testing. Allele origin: germline. Affected: yes.
Comment: Has not been previously published as pathogenic or benign to our knowledge; Not observed in large population cohorts (Lek et al., 2016); In silico analysis, which includes protein predictors and evolutionary conservation, supports that this variant does not alter protein structure/function

NM_053025.4(MYLK):c.4396A>G (p.Ile1466Val)

Gene: MYLK (myosin light chain kinase; minus strand). Cytogenetic location: 3q21.1.
Variant type: single nucleotide variant.
Coding change: c.4396A>G on transcript NM_053025.4 (MANE Select); coding-DNA position 4396, A replaced by G.
Protein change: p.Ile1466Val; replaces isoleucine 1466 with valine.
Molecular consequence: missense variant.
Genome position (GRCh38, 1-based): chr3:123,648,990, T>C on the plus strand (A>G on the coding strand, the complement: MYLK is on the minus strand). VCF-style: chr3-123648990-T-C. GRCh37 (hg19) VCF-style: chr3-123367837-T-C.
Other names: c.3868A>G, p.Ile1290Val (NM_001321309.2); c.4189A>G, p.Ile1397Val (NM_053026.4, NM_053028.4); c.4396A>G, p.Ile1466Val (NM_053027.4); short protein forms I1290V, I1397V, I1466V.
Identifiers: ClinVar variation 1315791 (VCV001315791.2), dbSNP rs2108197321, ClinGen allele CA354227454.